The following is an entry in ClinVar:

NM_030632.3(ASXL3):c.6218C>T (p.Thr2073Met)

Gene: ASXL3 (ASXL transcriptional regulator 3; plus strand). Cytogenetic location: 18q12.1.
Variant type: single nucleotide variant.
Coding change: c.6218C>T on transcript NM_030632.3 (MANE Select); coding-DNA position 6218, C replaced by T.
Protein change: p.Thr2073Met; replaces threonine 2073 with methionine.
Molecular consequence: missense variant.
Genome position (GRCh38, 1-based): chr18:33,746,066, C>T. VCF-style: chr18-33746066-C-T. GRCh37 (hg19) VCF-style: chr18-31326030-C-T.
Other names: short protein forms T2073M.
Identifiers: ClinVar variation 3257197 (VCV003257197.17).

ClinVar aggregate classification (germline): Likely benign (1 of 4 stars; one submission).

gnomAD v4.1: 11 of 1,613,052 alleles (0.00068%); highest among the groups gnomAD compares: Non-Finnish European, 0.00059%; no homozygotes.

Submission:

CeGaT Center for Human Genetics Tuebingen
Classification: Likely benign. Last evaluated: 2024-07-01. Review status: criteria provided, single submitter. Criteria: CeGaT Center For Human Genetics Tuebingen Variant Classification Criteria Version 2. Collection method: clinical testing. Allele origin: germline. Affected: yes. Observed: 1 variant allele.
Comment: ASXL3: BP4